The following is an entry in ClinVar:

NM_001040142.2(SCN2A):c.622G>A (p.Val208Met)

Gene: SCN2A (sodium voltage-gated channel alpha subunit 2; plus strand). Cytogenetic location: 2q24.3.
Variant type: single nucleotide variant.
Coding change: c.622G>A on transcript NM_001040142.2 (MANE Select); coding-DNA position 622, G replaced by A.
Protein change: p.Val208Met; replaces valine 208 with methionine.
Molecular consequence: missense variant. On other transcripts: intron variant (2).
Genome position (GRCh38, 1-based): chr2:165,309,368, G>A. VCF-style: chr2-165309368-G-A. GRCh37 (hg19) VCF-style: chr2-166165878-G-A.
Other names: c.622G>A, p.Val208Met (NM_001371247.1, NM_021007.3); c.697+112G>A (NM_001040143.2, NM_001371246.1); short protein forms V208M.
Identifiers: ClinVar variation 423344 (VCV000423344.45), dbSNP rs1064796373, ClinGen allele CA16617260.

ClinVar aggregate classification (germline): Conflicting classifications of pathogenicity. Review status: criteria provided, conflicting classifications (1 of 4 stars). 3 submissions from 3 submitters: Likely pathogenic (2); Uncertain significance (1). Last evaluated 2025-07-24.

Conditions:
Seizures, benign familial infantile, 3 (BFIS3). Also called: Familial neonatal seizures; CONVULSIONS, BENIGN FAMILIAL INFANTILE, 3. Identifiers: Orphanet 140927, Orphanet 306, MedGen C1843140, MONDO:0011904, OMIM 607745.
Developmental and epileptic encephalopathy, 11 (DEE11). Also called: Early infantile epileptic encephalopathy 11. Identifiers: Orphanet 1934, MedGen C3150987, MONDO:0013388, OMIM 613721.

Submissions (3):

Labcorp Genetics (formerly Invitae), Labcorp
Classification: Likely pathogenic for Seizures, benign familial infantile, 3; Developmental and epileptic encephalopathy, 11. Last evaluated: 2025-07-24. Review status: criteria provided, single submitter. Criteria: Invitae Variant Classification Sherloc (09022015). Collection method: clinical testing. Allele origin: germline.
Comment: This sequence change replaces valine, which is neutral and non-polar, with methionine, which is neutral and non-polar, at codon 208 of the SCN2A protein (p.Val208Met). This variant is not present in population databases (gnomAD no frequency). This missense change has been observed in individual(s) with SCN2A-related conditions (internal data). ClinVar contains an entry for this variant (Variation ID: 423344). Invitae Evidence Modeling of protein sequence and biophysical properties (such as structural, functional, and spatial information, amino acid conservation, physicochemical variation, residue mobility, and thermodynamic stability) indicates that this missense variant is expected to disrupt SCN2A protein function with a positive predictive value of 95%. This variant disrupts the p.Val208 amino acid residue in SCN2A. Other variant(s) that disrupt this residue have been determined to be pathogenic (PMID: 22612257, 30144217). This suggests that this residue is clinically significant, and that variants that disrupt this residue are likely to be disease-causing. In summary, the currently available evidence indicates that the variant is pathogenic, but additional data are needed to prove that conclusively. Therefore, this variant has been classified as Likely Pathogenic.

CeGaT Center for Human Genetics Tuebingen
Classification: Likely pathogenic. Last evaluated: 2019-09-01. Review status: criteria provided, single submitter. Criteria: CeGaT Center For Human Genetics Tuebingen Variant Classification Criteria Version 2. Collection method: clinical testing. Allele origin: germline. Affected: yes. Observed: 2 variant alleles.

GeneDx
Classification: Uncertain significance. Last evaluated: 2017-02-17. Review status: criteria provided, single submitter. Criteria: GeneDx Variant Classification (06012015). Collection method: clinical testing. Allele origin: germline. Affected: yes.
Comment: A variant of uncertain significance has been identified in the SCN2A gene. The V208M variant has not been published as a pathogenic variant, nor has it been reported as a benign variant to our knowledge. The V208M variant is not observed in large population cohorts (Lek et al., 2016; 1000 Genomes Consortium et al., 2015; Exome Variant Server). The V208M variant is a conservative amino acid substitution, which is not likely to impact secondary protein structure as these residues share similar properties. This substitution occurs at a position where amino acids with similar properties to Valine are tolerated across species and is predicted to be within the transmembrane segment S3 of the first homologous domain. However, a different missense variant at the same position (V208E) has been reported in multiple affected individuals in a family with benign familial infantile seizures (Lemke et al., 2012). In silico analysis predicts this variant is probably damaging to the protein structure/function. Therefore, based on the currently available information, it is unclear whether this variant is a pathogenic variant or a rare benign variant.

Literature cited by the submitters: PubMed 22612257 (cited by Labcorp Genetics (formerly Invitae), Labcorp); PubMed 30144217 (cited by Labcorp Genetics (formerly Invitae), Labcorp).